The following is an entry in ClinVar:

NM_000719.7(CACNA1C):c.5168C>T (p.Thr1723Ile)

Genes: CACNA1C (calcium voltage-gated channel subunit alpha1 C; plus strand), CACNA1C-AS1 (CACNA1C antisense RNA 1; minus strand). Cytogenetic location: 12p13.33.
Variant type: single nucleotide variant.
Coding change: c.5168C>T on transcript NM_000719.7 (MANE Select); coding-DNA position 5168, C replaced by T.
Protein change: p.Thr1723Ile; replaces threonine 1723 with isoleucine.
Molecular consequence: missense variant.
Genome position (GRCh38, 1-based): chr12:2,679,520, C>T. VCF-style: chr12-2679520-C-T. GRCh37 (hg19) VCF-style: chr12-2788686-C-T.
Other names: c.5312C>T, p.Thr1771Ile (NM_001129827.2, NM_199460.4); c.5291C>T, p.Thr1764Ile (NM_001129829.2); c.5168C>T, p.Thr1723Ile (NM_001129830.3, NM_001129840.2, NM_001129841.2 and 4 more transcripts); c.5252C>T, p.Thr1751Ile (NM_001129831.2); c.5228C>T, p.Thr1743Ile (NM_001129832.2); c.5225C>T, p.Thr1742Ile (NM_001129833.2, NM_001129834.2, NM_001129835.2); c.5219C>T, p.Thr1740Ile (NM_001129836.2); c.5192C>T, p.Thr1731Ile (NM_001129837.2, NM_001129838.2); and 3 more; short protein forms T1729I, T1764I, T1731I, T1742I, T1743I, T1771I, T1712I, T1720I.
Identifiers: ClinVar variation 1745760 (VCV001745760.4), dbSNP rs2532514492, ClinGen allele CA383378640.

ClinVar aggregate classification (germline): Uncertain significance. Review status: criteria provided, multiple submitters, no conflicts (2 of 4 stars). 2 submissions from 2 submitters: Uncertain significance (2). Last evaluated 2025-05-09.

Conditions:
Cardiovascular phenotype. Identifiers: MedGen CN230736.
Long QT syndrome (LQTS). Identifiers: MedGen C0023976, MeSH D008133, MONDO:0002442. Disease mechanism: loss of function. Inheritance: Various modes of inheritance.

Submissions (2):

Labcorp Genetics (formerly Invitae), Labcorp
Classification: Uncertain significance for Long QT syndrome. Last evaluated: 2025-05-09. Review status: criteria provided, single submitter. Criteria: Invitae Variant Classification Sherloc (09022015). Collection method: clinical testing. Allele origin: germline.
Comment: This sequence change replaces threonine, which is neutral and polar, with isoleucine, which is neutral and non-polar, at codon 1723 of the CACNA1C protein (p.Thr1723Ile). This variant is not present in population databases (gnomAD no frequency). This variant has not been reported in the literature in individuals affected with CACNA1C-related conditions. ClinVar contains an entry for this variant (Variation ID: 1745760). Invitae Evidence Modeling of protein sequence and biophysical properties (such as structural, functional, and spatial information, amino acid conservation, physicochemical variation, residue mobility, and thermodynamic stability) has been performed for this missense variant. However, the output from this modeling did not meet the statistical confidence thresholds required to predict the impact of this variant on CACNA1C protein function. In summary, the available evidence is currently insufficient to determine the role of this variant in disease. Therefore, it has been classified as a Variant of Uncertain Significance.

Ambry Genetics
Classification: Uncertain significance for Cardiovascular phenotype. Last evaluated: 2021-02-18. Review status: criteria provided, single submitter. Criteria: Ambry Variant Classification Scheme 2023. Collection method: clinical testing. Allele origin: germline.
Comment: The p.T1723I variant (also known as c.5168C>T), located in coding exon 42 of the CACNA1C gene, results from a C to T substitution at nucleotide position 5168. The threonine at codon 1723 is replaced by isoleucine, an amino acid with similar properties. This amino acid position is well conserved in available vertebrate species. In addition, the in silico prediction for this alteration is inconclusive. Since supporting evidence is limited at this time, the clinical significance of this alteration remains unclear.